The following is an entry in ClinVar:

ClinVar aggregate classification (germline): Pathogenic (1 of 4 stars; one submission).

Conditions:
Neuronal ceroid lipofuscinosis. Also called: Neuronal Ceroid Lipofuscinoses. Identifiers: Orphanet 216, Orphanet 79263, MedGen C0027877, MONDO:0016295. Disease mechanism: loss of function.

Submission:

Labcorp Genetics (formerly Invitae), Labcorp
Classification: Pathogenic for Neuronal ceroid lipofuscinosis. Last evaluated: 2022-03-29. Review status: criteria provided, single submitter. Criteria: Invitae Variant Classification Sherloc (09022015). Collection method: clinical testing. Allele origin: germline.
Comment: For these reasons, this variant has been classified as Pathogenic. ClinVar contains an entry for this variant (Variation ID: 852440). This variant has not been reported in the literature in individuals affected with CLN8-related conditions. This variant is not present in population databases (gnomAD no frequency). This sequence change creates a premature translational stop signal (p.Trp104*) in the CLN8 gene. It is expected to result in an absent or disrupted protein product. Loss-of-function variants in CLN8 are known to be pathogenic (PMID: 15024724).

Literature cited by the submitters: PubMed 15024724.

NM_018941.4(CLN8):c.311G>A (p.Trp104Ter)

Gene: CLN8 (CLN8 transmembrane ER and ERGIC protein; plus strand). Cytogenetic location: 8p23.3.
Variant type: single nucleotide variant.
Coding change: c.311G>A on transcript NM_018941.4 (MANE Select); coding-DNA position 311, G replaced by A.
Protein change: p.Trp104Ter; replaces tryptophan 104 with a stop codon.
Molecular consequence: nonsense.
Genome position (GRCh38, 1-based): chr8:1,771,365, G>A. VCF-style: chr8-1771365-G-A. GRCh37 (hg19) VCF-style: chr8-1719531-G-A.
Other names: short protein forms W104*.
Identifiers: ClinVar variation 852440 (VCV000852440.7), dbSNP rs1801297484, ClinGen allele CA369953295.